The following is an entry in ClinVar:

NM_003227.4(TFR2):c.1767+6A>T

Gene: TFR2 (transferrin receptor 2; minus strand). Cytogenetic location: 7q22.1.
Variant type: single nucleotide variant.
Coding change: c.1767+6A>T on transcript NM_003227.4 (MANE Select); 6 bases into the intron after coding-DNA position 1767, A replaced by T.
Molecular consequence: intron variant.
Genome position (GRCh38, 1-based): chr7:100,627,571, T>A on the plus strand (A>T on the coding strand, the complement: TFR2 is on the minus strand). VCF-style: chr7-100627571-T-A. GRCh37 (hg19) VCF-style: chr7-100225194-T-A.
Other names: c.1254+6A>T (NM_001206855.3).
Identifiers: ClinVar variation 2115788 (VCV002115788.4), dbSNP rs750051302, ClinGen allele CA2580076026.

ClinVar aggregate classification (germline): Uncertain significance (1 of 4 stars; one submission).

Conditions:
Hereditary hemochromatosis (HFE). Identifiers: MedGen C0392514, MONDO:0006507. Disease mechanism: loss of function.

Submission:

Labcorp Genetics (formerly Invitae), Labcorp
Classification: Uncertain significance for Hereditary hemochromatosis. Last evaluated: 2022-03-23. Review status: criteria provided, single submitter. Criteria: Invitae Variant Classification Sherloc (09022015). Collection method: clinical testing. Allele origin: germline.
Comment: In summary, the available evidence is currently insufficient to determine the role of this variant in disease. Therefore, it has been classified as a Variant of Uncertain Significance. Variants that disrupt the consensus splice site are a relatively common cause of aberrant splicing (PMID: 17576681, 9536098). Algorithms developed to predict the effect of sequence changes on RNA splicing suggest that this variant is not likely to affect RNA splicing. This variant has not been reported in the literature in individuals affected with TFR2-related conditions. This variant is not present in population databases (gnomAD no frequency). This sequence change falls in intron 15 of the TFR2 gene. It does not directly change the encoded amino acid sequence of the TFR2 protein. It affects a nucleotide within the consensus splice site.

Literature cited by the submitters: PubMed 17576681; PubMed 9536098.